The following is an entry in ClinVar:

ClinVar aggregate classification (germline): Uncertain significance (1 of 4 stars; one submission).

Conditions:
Immunodeficiency. Identifiers: MedGen C0021051, MONDO:0021094, HP:0002721.

Allele frequency attached by ClinVar (database versions not stated): gnomAD exomes 0.00001; TOPMed 0.00001.
gnomAD v4.1: 13 of 1,614,190 alleles (0.00081%); highest among the groups gnomAD compares: Non-Finnish European, 0.0011%; no homozygotes.

Submission:

Labcorp Genetics (formerly Invitae), Labcorp
Classification: Uncertain significance for Immunodeficiency. Last evaluated: 2023-12-10. Review status: criteria provided, single submitter. Criteria: Invitae Variant Classification Sherloc (09022015). Collection method: clinical testing. Allele origin: germline.
Comment: This sequence change replaces glycine, which is neutral and non-polar, with arginine, which is basic and polar, at codon 1351 of the NFAT5 protein (p.Gly1351Arg). This variant is present in population databases (no rsID available, gnomAD 0.0009%). This variant has not been reported in the literature in individuals affected with NFAT5-related conditions. ClinVar contains an entry for this variant (Variation ID: 1991813). An algorithm developed to predict the effect of missense changes on protein structure and function (PolyPhen-2) suggests that this variant is likely to be disruptive. In summary, the available evidence is currently insufficient to determine the role of this variant in disease. Therefore, it has been classified as a Variant of Uncertain Significance.

NM_138713.4(NFAT5):c.4333G>A (p.Gly1445Arg)

Gene: NFAT5 (nuclear factor of activated T cells 5; plus strand). Cytogenetic location: 16q22.1.
Variant type: single nucleotide variant.
Coding change: c.4333G>A on transcript NM_138713.4 (MANE Select); coding-DNA position 4333, G replaced by A.
Protein change: p.Gly1445Arg; replaces glycine 1445 with arginine.
Molecular consequence: missense variant.
Genome position (GRCh38, 1-based): chr16:69,694,158, G>A. VCF-style: chr16-69694158-G-A. GRCh37 (hg19) VCF-style: chr16-69728061-G-A.
Other names: c.4330G>A, p.Gly1444Arg (NM_001113178.3); c.3658G>A, p.Gly1220Arg (NM_001367709.1); c.4279G>A, p.Gly1427Arg (NM_006599.4); c.4051G>A, p.Gly1351Arg (NM_138714.4, NM_173214.3, NM_173215.3); short protein forms G1220R, G1427R, G1351R, G1444R, G1445R.
Identifiers: ClinVar variation 1991813 (VCV001991813.4), dbSNP rs1284326977, ClinGen allele CA396515565.
Genomic context (GRCh38, chr16:69,694,158, plus strand): 5'-GGAATTCAAGGAGCCACATCTTCGCCTCAACCACAGGCTACTTTATTTCACAACACAGCA[G>A]GAGGCACAATGAACCAACTGCAGAATTCTCCTGGCTCATCTCAGCAGACATCAGGAATGT-3'
Protein context (NP_619727.2, residues 1435-1455): PQATLFHNTA[Gly1445Arg]GTMNQLQNSP